The following is an entry in ClinVar:

ClinVar aggregate classification (germline): Uncertain significance (1 of 4 stars; one submission).

Conditions:
Hereditary cancer-predisposing syndrome. Also called: Neoplastic Syndromes, Hereditary; Tumor predisposition; Hereditary Cancer Syndrome; Hereditary neoplastic syndrome. Identifiers: Orphanet 140162, MedGen C0027672, MeSH D009386, MONDO:0015356.

Allele frequency attached by ClinVar (database versions not stated): gnomAD exomes below 0.00001.
gnomAD v4.1: 1 of 1,613,002 alleles (0.000062%); highest among the groups gnomAD compares: Non-Finnish European, 0.000085%; no homozygotes.

Submission:

Color Diagnostics, LLC DBA Color Health
Classification: Uncertain significance for Hereditary cancer-predisposing syndrome. Last evaluated: 2023-12-05. Review status: criteria provided, single submitter. Criteria: ACMG Guidelines, 2015. Collection method: clinical testing. Allele origin: germline.
Comment: This missense variant replaces asparagine with lysine at codon 2463 of the BRCA2 protein. Computational prediction suggests that this variant may not impact protein structure and function (internally defined REVEL score threshold <= 0.5, PMID: 27666373). To our knowledge, functional studies have not been reported for this variant. This variant has not been reported in individuals affected with BRCA2-related disorders in the literature. This variant has not been identified in the general population by the Genome Aggregation Database (gnomAD). The available evidence is insufficient to determine the role of this variant in disease conclusively. Therefore, this variant is classified as a Variant of Uncertain Significance.

NM_000059.4(BRCA2):c.7389T>A (p.Asn2463Lys)

Gene: BRCA2 (BRCA2 DNA repair associated; plus strand). Cytogenetic location: 13q13.1.
Variant type: single nucleotide variant.
Coding change: c.7389T>A on transcript NM_000059.4 (MANE Select); coding-DNA position 7389, T replaced by A.
Protein change: p.Asn2463Lys; replaces asparagine 2463 with lysine.
Molecular consequence: missense variant.
Genome position (GRCh38, 1-based): chr13:32,355,242, T>A. VCF-style: chr13-32355242-T-A. GRCh37 (hg19) VCF-style: chr13-32929379-T-A.
Other names: short protein forms N2463K.
Identifiers: ClinVar variation 922988 (VCV000922988.4), dbSNP rs2072683987, ClinGen allele CA387741756.
Genomic context (GRCh38, chr13:32,355,242, plus strand): 5'-TGATAGTAAAAATAAGATTAATGACAATGAGATTCATCAGTTTAACAAAAACAACTCCAA[T>A]CAAGCAGTAGCTGTAACTTTCACAAAGTGTGAAGAAGAACCTTTAGGTATTGTATGACAA-3'
Protein context (NP_000050.3, residues 2453-2473): EIHQFNKNNS[Asn2463Lys]QAVAVTFTKC